The following is an entry in ClinVar:

ClinVar aggregate classification (germline): Likely benign. Review status: criteria provided, multiple submitters, no conflicts (2 of 4 stars). 9 submissions from 6 submitters: Likely benign (9). Last evaluated 2026-02-18.

Conditions:
Congenital myopathy 18. Also called: Myopathy, congenital, due to dihydropyridine receptor defect; DIHYDROPYRIDINE RECEPTOR CONGENITAL MYOPATHY; DHPR CONGENITAL MYOPATHY. Identifiers: MedGen C5830283, MONDO:0859514, OMIM 620246.
Malignant hyperthermia, susceptibility to, 5 (MHS5). Also called: CACNA1S-Related Malignant Hyperthermia Susceptibility. Identifiers: Orphanet 423, MedGen C1866077, MONDO:0011163, OMIM 601887.
Thyrotoxic periodic paralysis, susceptibility to, 1 (TTPP1). Identifiers: Orphanet 79102, MedGen C2749982, MONDO:0008570, OMIM 188580.
Hypokalemic periodic paralysis, type 1. Also called: Hypokalemic Periodic Paralysis Type 1 (AD); HypoPP. Identifiers: Orphanet 681, MedGen C3714580, MONDO:0042979, OMIM 170400.

Allele frequency attached by ClinVar (database versions not stated): ExAC 0.00002; TOPMed 0.00007; ESP Exome Variant Server 0.00008; gnomAD 0.00013.
gnomAD v4.1: 35 of 1,614,238 alleles (0.0022%); highest among the groups gnomAD compares: African/African-American, 0.037%; no homozygotes.

Submissions (9):

Women's Health and Genetics/Laboratory Corporation of America, LabCorp
Classification: Likely benign. Last evaluated: 2026-02-18. Review status: criteria provided, single submitter. Criteria: LabCorp Variant Classification Summary - May 2015. Collection method: clinical testing. Allele origin: germline.

Labcorp Genetics (formerly Invitae), Labcorp
Classification: Likely benign for Hypokalemic periodic paralysis, type 1; Malignant hyperthermia, susceptibility to, 5. Last evaluated: 2025-09-24. Review status: criteria provided, single submitter. Criteria: Invitae Variant Classification Sherloc (09022015). Collection method: clinical testing. Allele origin: germline.

All of Us Research Program, National Institutes of Health
Classification: Likely benign for Malignant hyperthermia, susceptibility to, 5. Last evaluated: 2023-11-30. Review status: criteria provided, single submitter. Criteria: ACMG Guidelines, 2015. Collection method: clinical testing. Allele origin: germline. Inheritance: Autosomal dominant inheritance. Observed: 8 variant alleles, 8 heterozygotes.
Comment: This study involves interpretation of variants in research participants for the purpose of population health screening. Participant phenotype was not available at the time of variant classification. Additional details can be found in publication PMID: 35346344, PMCID: PMC8962531

Genome-Nilou Lab
Classification: Likely benign for Malignant hyperthermia, susceptibility to, 5. Last evaluated: 2023-04-11. Review status: criteria provided, single submitter. Criteria: ACMG Guidelines, 2015. Collection method: clinical testing. Allele origin: germline. Affected: no.

Genome-Nilou Lab
Classification: Likely benign for Thyrotoxic periodic paralysis, susceptibility to, 1. Last evaluated: 2023-04-11. Review status: criteria provided, single submitter. Criteria: ACMG Guidelines, 2015. Collection method: clinical testing. Allele origin: germline. Affected: no.

Genome-Nilou Lab
Classification: Likely benign for Congenital myopathy 18. Last evaluated: 2023-04-11. Review status: criteria provided, single submitter. Criteria: ACMG Guidelines, 2015. Collection method: clinical testing. Allele origin: germline. Affected: no.

Genome-Nilou Lab
Classification: Likely benign for Hypokalemic periodic paralysis, type 1. Last evaluated: 2023-04-11. Review status: criteria provided, single submitter. Criteria: ACMG Guidelines, 2015. Collection method: clinical testing. Allele origin: germline. Affected: no.

Color Diagnostics, LLC DBA Color Health
Classification: Likely benign for Malignant hyperthermia, susceptibility to, 5. Last evaluated: 2022-11-06. Review status: criteria provided, single submitter. Criteria: ACMG Guidelines, 2015. Collection method: clinical testing. Allele origin: germline.

GeneDx
Classification: Likely benign. Last evaluated: 2016-11-15. Review status: criteria provided, single submitter. Criteria: GeneDx Variant Classification (06012015). Collection method: clinical testing. Allele origin: germline. Affected: yes.
Comment: This variant is considered likely benign or benign based on one or more of the following criteria: it is a conservative change, it occurs at a poorly conserved position in the protein, it is predicted to be benign by multiple in silico algorithms, and/or has population frequency not consistent with disease.

NM_000069.3(CACNA1S):c.789C>A (p.Gly263=)

Gene: CACNA1S (calcium voltage-gated channel subunit alpha1 S; minus strand). Cytogenetic location: 1q32.1.
Variant type: single nucleotide variant.
Coding change: c.789C>A on transcript NM_000069.3 (MANE Select); coding-DNA position 789, C replaced by A.
Protein change: p.Gly263=; no amino-acid change (glycine 263 retained).
Molecular consequence: synonymous variant.
Genome position (GRCh38, 1-based): chr1:201,089,369, G>T on the plus strand (C>A on the coding strand, the complement: CACNA1S is on the minus strand). VCF-style: chr1-201089369-G-T. GRCh37 (hg19) VCF-style: chr1-201058497-G-T.
Identifiers: ClinVar variation 390751 (VCV000390751.13), dbSNP rs368173398, ClinGen allele CA084001.